The following is an entry in ClinVar:

ClinVar aggregate classification (germline): Likely benign. Review status: criteria provided, multiple submitters, no conflicts (2 of 4 stars). 3 submissions from 3 submitters: Likely benign (3). Last evaluated 2026-01-05.

Conditions:
Cardiovascular phenotype. Identifiers: MedGen CN230736.
Desmin-related myofibrillar myopathy (MFM1). Also called: Desminopathy; Desmin related myopathy (former name); Desmin storage myopathy (former name); MYOFIBRILLAR MYOPATHY WITH ARRHYTHMOGENIC RIGHT VENTRICULAR CARDIOMYOPATHY; DESMIN-RELATED MYOPATHY WITH ARRHYTHMOGENIC RIGHT VENTRICULAR CARDIOMYOPATHY; Myofibrillar myopathy 1. Identifiers: Orphanet 363543, Orphanet 98909, MedGen C1832370, MONDO:0011076, OMIM 601419.

Allele frequency attached by ClinVar (database versions not stated): gnomAD exomes 0.00001; TOPMed 0.00002.
gnomAD v4.1: 4 of 1,603,344 alleles (0.00025%); highest among the groups gnomAD compares: Non-Finnish European, 0.00034%; no homozygotes.

Submissions (3):

Labcorp Genetics (formerly Invitae), Labcorp
Classification: Likely benign for Desmin-related myofibrillar myopathy. Last evaluated: 2026-01-05. Review status: criteria provided, single submitter. Criteria: Invitae Variant Classification Sherloc (09022015). Collection method: clinical testing. Allele origin: germline.

Ambry Genetics
Classification: Likely benign for Cardiovascular phenotype. Last evaluated: 2022-08-08. Review status: criteria provided, single submitter. Criteria: Ambry Variant Classification Scheme 2023. Collection method: clinical testing. Allele origin: germline.

GeneDx
Classification: Likely benign. Last evaluated: 2018-05-30. Review status: criteria provided, single submitter. Criteria: GeneDx Variant Classification (06012015). Collection method: clinical testing. Allele origin: germline. Affected: yes.
Comment: This variant is considered likely benign or benign based on one or more of the following criteria: it is a conservative change, it occurs at a poorly conserved position in the protein, it is predicted to be benign by multiple in silico algorithms, and/or has population frequency not consistent with disease.

NM_001927.4(DES):c.150G>T (p.Thr50=)

Gene: DES (desmin; plus strand). Cytogenetic location: 2q35.
Variant type: single nucleotide variant.
Coding change: c.150G>T on transcript NM_001927.4 (MANE Select); coding-DNA position 150, G replaced by T.
Protein change: p.Thr50=; no amino-acid change (threonine 50 retained).
Molecular consequence: synonymous variant.
Genome position (GRCh38, 1-based): chr2:219,418,612, G>T. VCF-style: chr2-219418612-G-T. GRCh37 (hg19) VCF-style: chr2-220283334-G-T.
Identifiers: ClinVar variation 669064 (VCV000669064.14), dbSNP rs1179760415, ClinGen allele CA431427542.